The following is an entry in ClinVar:

ClinVar aggregate classification (germline): Uncertain significance (1 of 4 stars; one submission).

Conditions:
Methylcobalamin deficiency type cblG (HMAG). Also called: Functional methionine synthase deficiency type cblG; HOMOCYSTINURIA-MEGALOBLASTIC ANEMIA, cblG TYPE; HOMOCYSTINURIA-MEGALOBLASTIC ANEMIA, cblG COMPLEMENTATION TYPE; HOMOCYSTINURIA-MEGALOBLASTIC ANEMIA DUE TO DEFECT IN COBALAMIN METABOLISM, cblG COMPLEMENTATION TYPE. Identifiers: Orphanet 2170, Orphanet 622, MedGen C1855128, MONDO:0009609, OMIM 250940.

gnomAD v4.1: 2 of 1,613,254 alleles (0.00012%); highest among the groups gnomAD compares: Non-Finnish European, 0.00017%; no homozygotes.

Submission:

Labcorp Genetics (formerly Invitae), Labcorp
Classification: Uncertain significance for Methylcobalamin deficiency type cblG. Last evaluated: 2023-03-11. Review status: criteria provided, single submitter. Criteria: Invitae Variant Classification Sherloc (09022015). Collection method: clinical testing. Allele origin: germline.
Comment: Advanced modeling of protein sequence and biophysical properties (such as structural, functional, and spatial information, amino acid conservation, physicochemical variation, residue mobility, and thermodynamic stability) performed at Invitae indicates that this missense variant is not expected to disrupt MTR protein function. ClinVar contains an entry for this variant (Variation ID: 1714329). In summary, the available evidence is currently insufficient to determine the role of this variant in disease. Therefore, it has been classified as a Variant of Uncertain Significance. This variant has not been reported in the literature in individuals affected with MTR-related conditions. This variant is not present in population databases (gnomAD no frequency). This sequence change replaces isoleucine, which is neutral and non-polar, with valine, which is neutral and non-polar, at codon 734 of the MTR protein (p.Ile734Val).

NM_000254.3(MTR):c.2200A>G (p.Ile734Val)

Gene: MTR (5-methyltetrahydrofolate-homocysteine methyltransferase; plus strand). Cytogenetic location: 1q43.
Variant type: single nucleotide variant.
Coding change: c.2200A>G on transcript NM_000254.3 (MANE Select); coding-DNA position 2200, A replaced by G.
Protein change: p.Ile734Val; replaces isoleucine 734 with valine.
Molecular consequence: missense variant.
Genome position (GRCh38, 1-based): chr1:236,862,239, A>G. VCF-style: chr1-236862239-A-G. GRCh37 (hg19) VCF-style: chr1-237025539-A-G.
Other names: c.2047A>G, p.Ile683Val (NM_001291939.1); c.979A>G, p.Ile327Val (NM_001291940.2); c.2200A>G, p.Ile734Val (NM_001410942.1); short protein forms I327V, I683V, I734V.
Identifiers: ClinVar variation 1714329 (VCV001714329.5), dbSNP rs1286726397, ClinGen allele CA345377820.